The following is an entry in ClinVar:

ClinVar aggregate classification (germline): Likely benign (1 of 4 stars; one submission).

Allele frequency attached by ClinVar (database versions not stated): 1000 Genomes Project 0.00040; 1000 Genomes Project 30x 0.00047; ExAC 0.00190; TOPMed 0.00196; gnomAD 0.00207; ESP Exome Variant Server 0.00269.
gnomAD v4.1: 4,843 of 1,614,204 alleles (0.3%); highest among the groups gnomAD compares: Non-Finnish European, 0.37%; 12 homozygotes.

Submission:

CeGaT Center for Human Genetics Tuebingen
Classification: Likely benign. Last evaluated: 2022-11-01. Review status: criteria provided, single submitter. Criteria: CeGaT Center For Human Genetics Tuebingen Variant Classification Criteria Version 2. Collection method: clinical testing. Allele origin: germline. Affected: yes. Observed: 1 variant allele.
Comment: A4GNT: BP4, BS2

NM_016161.3(A4GNT):c.642C>A (p.His214Gln)

Gene: A4GNT (alpha-1,4-N-acetylglucosaminyltransferase; minus strand). Cytogenetic location: 3q22.3.
Variant type: single nucleotide variant.
Coding change: c.642C>A on transcript NM_016161.3 (MANE Select); coding-DNA position 642, C replaced by A.
Protein change: p.His214Gln; replaces histidine 214 with glutamine.
Molecular consequence: missense variant.
Genome position (GRCh38, 1-based): chr3:138,124,645, G>T on the plus strand (C>A on the coding strand, the complement: A4GNT is on the minus strand). VCF-style: chr3-138124645-G-T. GRCh37 (hg19) VCF-style: chr3-137843487-G-T.
Other names: short protein forms H214Q.
Identifiers: ClinVar variation 2654187 (VCV002654187.24), dbSNP rs146992672, ClinGen allele CA2635485.